The following is an entry in ClinVar:

NM_012330.4(KAT6B):c.5389_5394del (p.Arg1797_Met1798del)

Gene: KAT6B (lysine acetyltransferase 6B; plus strand). Cytogenetic location: 10q22.2.
Variant type: Deletion.
Coding change: c.5389_5394del on transcript NM_012330.4 (MANE Select); coding-DNA positions 5389 to 5394, 6 bases deleted (CGAATG; older notation c.5389_5394delCGAATG).
Protein change: p.Arg1797_Met1798del.
Genome position (GRCh38, 1-based): chr10:75,030,213-75,030,218, CGAATG deleted; deleting any 6 consecutive bases within chr10:75,030,212-75,030,218 gives the same sequence; the c. name uses the placement nearest the transcript's 3' end. VCF-style (leftmost placement, unchanged base first): chr10-75030211-AGCGAAT-A. GRCh37 (hg19) VCF-style: chr10-76789969-AGCGAAT-A.
Other names: c.4840_4845del, p.Arg1614_Met1615del (NM_001256468.2, NM_001370138.1); c.4513_4518del, p.Arg1505_Met1506del (NM_001256469.2, NM_001370139.1, NM_001370140.1 and 2 more transcripts); c.4351_4356del, p.Arg1451_Met1452del (NM_001370132.1); c.3700_3705del, p.Arg1234_Met1235del (NM_001370133.1); c.3304_3309del, p.Arg1102_Met1103del (NM_001370134.1); c.3046_3051del, p.Arg1016_Met1017del (NM_001370135.1); c.5389_5394del, p.Arg1797_Met1798del (NM_001370136.1, NM_001370137.1); c.4324_4329del, p.Arg1442_Met1443del (NM_001370143.1, NM_001370144.1); and 1 more.
Identifiers: ClinVar variation 3666837 (VCV003666837.3).

ClinVar aggregate classification (germline): Uncertain significance. Review status: criteria provided, multiple submitters, no conflicts (2 of 4 stars). 2 submissions from 2 submitters: Uncertain significance (2). Last evaluated 2025-12-12.

Conditions:
Genitopatellar syndrome (GTPTS). Also called: ABSENT PATELLAE, SCROTAL HYPOPLASIA, RENAL ANOMALIES, FACIAL DYSMORPHISM, AND MENTAL RETARDATION; Genitopatellar syndrome (GPS). Identifiers: Orphanet 85201, MedGen C1853566, MONDO:0011640, OMIM 606170.

Submissions (2):

Women's Health and Genetics/Laboratory Corporation of America, LabCorp
Classification: Uncertain significance. Last evaluated: 2025-12-12. Review status: criteria provided, single submitter. Criteria: LabCorp Variant Classification Summary - May 2015. Collection method: clinical testing. Allele origin: germline.
Comment: Variant summary: KAT6B c.5389_5394delCGAATG (p.Arg1797_Met1798del) results in an in-frame deletion that is predicted to remove two amino acids from the encoded protein. The variant allele was found at a frequency of 1.6e-05 in 251418 control chromosomes (gnomAD). The available data on variant occurrences in the general population are insufficient to allow any conclusion about variant significance. To our knowledge, no occurrence of c.5389_5394delCGAATG in individuals affected with KAT6B-related conditions and no experimental evidence demonstrating its impact on protein function have been reported. ClinVar contains an entry for this variant (Variation ID: 3666837). Based on the evidence outlined above, the variant was classified as uncertain significance.

Labcorp Genetics (formerly Invitae), Labcorp
Classification: Uncertain significance for Genitopatellar syndrome. Last evaluated: 2024-05-15. Review status: criteria provided, single submitter. Criteria: Invitae Variant Classification Sherloc (09022015). Collection method: clinical testing. Allele origin: germline.
Comment: This variant, c.5389_5394del, results in the deletion of 2 amino acid(s) of the KAT6B protein (p.Arg1797_Met1798del), but otherwise preserves the integrity of the reading frame. This variant is present in population databases (rs773651325, gnomAD 0.02%). This variant has not been reported in the literature in individuals affected with KAT6B-related conditions. Experimental studies and prediction algorithms are not available or were not evaluated, and the functional significance of this variant is currently unknown. In summary, the available evidence is currently insufficient to determine the role of this variant in disease. Therefore, it has been classified as a Variant of Uncertain Significance.